The following is an entry in ClinVar:

NM_003737.4(DCHS1):c.7536C>G (p.Ser2512Arg)

Gene: DCHS1 (dachsous cadherin-related 1; minus strand). Cytogenetic location: 11p15.4.
Variant type: single nucleotide variant.
Coding change: c.7536C>G on transcript NM_003737.4 (MANE Select); coding-DNA position 7536, C replaced by G.
Protein change: p.Ser2512Arg; replaces serine 2512 with arginine.
Molecular consequence: missense variant.
Genome position (GRCh38, 1-based): chr11:6,624,140, G>C on the plus strand (C>G on the coding strand, the complement: DCHS1 is on the minus strand). VCF-style: chr11-6624140-G-C. GRCh37 (hg19) VCF-style: chr11-6645371-G-C.
Other names: short protein forms S2512R.
Identifiers: ClinVar variation 4741843 (VCV004741843.1).
Genomic context (GRCh38, chr11:6,624,140, plus strand): 5'-CTGGAAGACTCGGCCCCAGTTGCCACTGATGATGCTGTAGTCCACAGCGGCATGGCTGCG[G>C]CTTCCATCAGCATCTGTAGCCTCCAGGGTGAGCAGAGTGGAGCCAGGGGGCAGGTCTTCA-3'
Protein context (NP_003728.1, residues 2502-2522): LTLEATDADG[Ser2512Arg]RSHAAVDYSI

ClinVar aggregate classification (germline): Uncertain significance (1 of 4 stars; one submission).

Submission:

Labcorp Genetics (formerly Invitae), Labcorp
Classification: Uncertain significance. Last evaluated: 2026-01-07. Review status: criteria provided, single submitter. Criteria: Invitae Variant Classification Sherloc (09022015). Collection method: clinical testing. Allele origin: germline.
Comment: This sequence change replaces serine, which is neutral and polar, with arginine, which is basic and polar, at codon 2512 of the DCHS1 protein (p.Ser2512Arg). This variant is not present in population databases (gnomAD no frequency). This variant has not been reported in the literature in individuals affected with DCHS1-related conditions. Invitae Evidence Modeling of protein sequence and biophysical properties (such as structural, functional, and spatial information, amino acid conservation, physicochemical variation, residue mobility, and thermodynamic stability) indicates that this missense variant is not expected to disrupt DCHS1 protein function with a negative predictive value of 80%. In summary, the available evidence is currently insufficient to determine the role of this variant in disease. Therefore, it has been classified as a Variant of Uncertain Significance.